The following is an entry in ClinVar:

ClinVar aggregate classification (germline): Uncertain significance (1 of 4 stars; one submission).

Conditions:
Arrhythmogenic right ventricular dysplasia 9 (ARVD9). Also called: Arrhythmogenic Right Ventricular Dysplasia/Cardiomyopathy 9; ARRHYTHMOGENIC RIGHT VENTRICULAR DYSPLASIA, FAMILIAL, 9. Identifiers: MedGen C1836906, MONDO:0012180, OMIM 609040.

Submission:

Labcorp Genetics (formerly Invitae), Labcorp
Classification: Uncertain significance for Arrhythmogenic right ventricular dysplasia 9. Last evaluated: 2024-11-13. Review status: criteria provided, single submitter. Criteria: Invitae Variant Classification Sherloc (09022015). Collection method: clinical testing. Allele origin: germline.
Comment: This sequence change replaces glutamine, which is neutral and polar, with histidine, which is basic and polar, at codon 861 of the PKP2 protein (p.Gln861His). This variant is not present in population databases (gnomAD no frequency). This variant has not been reported in the literature in individuals affected with PKP2-related conditions. An algorithm developed to predict the effect of missense changes on protein structure and function (PolyPhen-2) suggests that this variant is likely to be tolerated. In summary, the available evidence is currently insufficient to determine the role of this variant in disease. Therefore, it has been classified as a Variant of Uncertain Significance.

NM_001005242.3(PKP2):c.2451G>T (p.Gln817His)

Gene: PKP2 (plakophilin 2; minus strand). Cytogenetic location: 12p11.21.
Variant type: single nucleotide variant.
Coding change: c.2451G>T on transcript NM_001005242.3 (MANE Select); coding-DNA position 2451, G replaced by T.
Protein change: p.Gln817His; replaces glutamine 817 with histidine.
Molecular consequence: missense variant.
Genome position (GRCh38, 1-based): chr12:32,792,487, C>A on the plus strand (G>T on the coding strand, the complement: PKP2 is on the minus strand). VCF-style: chr12-32792487-C-A. GRCh37 (hg19) VCF-style: chr12-32945421-C-A.
Other names: c.2261G>T, p.Ser754Ile (NM_001407155.1); c.2286G>T, p.Gln762His (NM_001407156.1); c.2124G>T, p.Gln708His (NM_001407158.1, NM_001407159.1); c.1934G>T, p.Ser645Ile (NM_001407160.1); c.2583G>T, p.Gln861His (NM_004572.4); short protein forms Q708H, Q817H, Q861H, Q762H, S645I, S754I.
Identifiers: ClinVar variation 3663926 (VCV003663926.2).